The following is an entry in ClinVar:

NM_004006.3(DMD):c.3396dup (p.Glu1133fs)

Gene: DMD (dystrophin; minus strand). Cytogenetic location: Xp21.1.
Variant type: Duplication.
Coding change: c.3396dup on transcript NM_004006.3 (MANE Select); coding-DNA position 3396, one base duplicated (A; older notation c.3396dupA).
Protein change: p.Glu1133fs; shifts the reading frame from glutamic acid 1133.
Molecular consequence: frameshift variant.
Genome position (GRCh38, 1-based): chrX:32,463,475, T duplicated on the plus strand (A on the coding strand, the reverse complement: DMD is on the minus strand); the first of 3 consecutive T bases (chrX:32,463,475-32,463,477); duplicating any one gives the same sequence. VCF-style (leftmost placement, unchanged base first): chrX-32463474-C-CT. GRCh37 (hg19) VCF-style: chrX-32481591-C-CT.
Other names: c.3396dup (NM_004006.2); c.3396dupA (NM_004006.3); c.3372dup, p.Glu1125fs (NM_000109.4); c.3384dup, p.Glu1129fs (NM_004009.3); c.3027dup, p.Glu1010fs (NM_004010.3); short protein forms E1010fs, E1125fs, E1129fs, E1133fs.
Identifiers: ClinVar variation 3768656 (VCV003768656.3).
Genomic context (GRCh38, chrX:32,463,474, plus strand): 5'-CCACAGTGAAAGAGATTGTCTATACCTGTTGGCACATGTGATCCCACTGAGTGTTAAGTT[C>CT]TTTGAGTTCTGTCTCAAGTCTCGAAGCAAACTCTGGCTCTGCTTCATTCTTTATCTTCTG-3'

ClinVar aggregate classification (germline): Pathogenic/Likely pathogenic. Review status: criteria provided, multiple submitters, no conflicts (2 of 4 stars). 2 submissions from 2 submitters: Pathogenic (1); Likely pathogenic (1). Last evaluated 2025-02-10.

Conditions:
Neuromuscular disease caused by qualitative or quantitative defects of dystrophin. Also called: Qualitative or quantitative defects of dystrophin. Identifiers: Orphanet 207085, MedGen C5679787, MONDO:0016147.
Becker muscular dystrophy, Cardiomyopathy, Duchenne muscular dystrophy, Dystrophin deficiency.

Submissions (2):

Women's Health and Genetics/Laboratory Corporation of America, LabCorp
Classification: Pathogenic for Neuromuscular disease caused by qualitative or quantitative defects of dystrophin. Last evaluated: 2025-02-10. Review status: criteria provided, single submitter. Criteria: LabCorp Variant Classification Summary - May 2015. Collection method: clinical testing. Allele origin: germline.
Comment: Variant summary: DMD c.3396dupA (p.Glu1133ArgfsX3) results in a premature termination codon, predicted to cause absence of the protein due to nonsense mediated decay, which is a commonly known mechanism for disease. The variant was absent in 176071 control chromosomes. To our knowledge, no occurrence of c.3396dupA in individuals affected with Dystrophinopathies and no experimental evidence demonstrating its impact on protein function have been reported. No submitters have cited clinical-significance assessments for this variant to ClinVar. Based on the evidence outlined above, the variant was classified as pathogenic.

Natera, Inc.
Classification: Likely pathogenic for Becker muscular dystrophy, Cardiomyopathy, Duchenne muscular dystrophy, Dystrophin deficiency. Last evaluated: 2025-01-16. Review status: criteria provided, single submitter. Criteria: Natera Variant Classification Schema (03/2026). Collection method: clinical testing. Allele origin: germline.
Comment: The c.3396dup variant in DMD is a frameshift variant predicted to shift the reading frame beginning at codon 1133 and leads to a stop codon 3 codons downstream. This variant is expected to result in nonsense mediated decay, truncation, or a dysfunctional protein product. This variant is rare in the general population with a frequency below the threshold expected for the associated phenotype(s). Given the available evidence, this variant is classified as Likely Pathogenic.